The following is an entry in ClinVar:

ClinVar aggregate classification (germline): Uncertain significance (1 of 4 stars; one submission).

Submission:

GeneDx
Classification: Uncertain significance. Last evaluated: 2025-07-28. Review status: criteria provided, single submitter. Criteria: GeneDx Variant Classification Process June 2021. Collection method: clinical testing. Allele origin: germline. Affected: yes.
Comment: Not observed at significant frequency in large population cohorts (gnomAD); In silico analysis suggests that this missense variant does not alter protein structure/function; Has not been previously published as pathogenic or benign to our knowledge

NM_017636.4(TRPM4):c.50A>G (p.Lys17Arg)

Gene: TRPM4 (transient receptor potential cation channel subfamily M member 4; plus strand). Cytogenetic location: 19q13.33.
Variant type: single nucleotide variant.
Coding change: c.50A>G on transcript NM_017636.4 (MANE Select); coding-DNA position 50, A replaced by G.
Protein change: p.Lys17Arg; replaces lysine 17 with arginine.
Molecular consequence: missense variant. On other transcripts: 5 prime UTR variant (3).
Genome position (GRCh38, 1-based): chr19:49,158,217, A>G. VCF-style: chr19-49158217-A-G. GRCh37 (hg19) VCF-style: chr19-49661474-A-G.
Other names: c.50A>G, p.Lys17Arg (NM_001195227.2, NM_001321281.2); c.-1323A>G (NM_001321282.2); c.-117A>G (NM_001321283.2); c.-280A>G (NM_001321285.2); short protein forms K17R.
Identifiers: ClinVar variation 4690126 (VCV004690126.1).
Genomic context (GRCh38, chr19:49,158,217, plus strand): 5'-CCCACTTCCACCCCTACATTTGTTCCTGTCCCCAGAGCTGGATCCCCAAGATCTTCAAGA[A>G]GAAGACCTGCACGACGTTCATAGTTGACTCCACAGATCCGGGGTGAGGAGTTCGCCCCTG-3'
Protein context (NP_060106.2, residues 7-27): EQSWIPKIFK[Lys17Arg]KTCTTFIVDS